The following is an entry in ClinVar:

NM_001127464.1:c.5375C>T

Gene: ZNF469 (zinc finger protein 469; plus strand).
Variant type: single nucleotide variant.
Identifiers: ClinVar variation 4845018 (VCV004845018.1).

ClinVar aggregate classification (germline): Uncertain significance (1 of 4 stars; one submission).

Conditions:
Cardiovascular phenotype. Identifiers: MedGen CN230736.

Submission:

Ambry Genetics
Classification: Uncertain significance for Cardiovascular phenotype. Last evaluated: 2026-02-14. Review status: criteria provided, single submitter. Criteria: Ambry Variant Classification Scheme 2023. Collection method: clinical testing. Allele origin: germline.
Comment: The p.T1792I variant (also known as c.5375C>T), located in coding exon 2 of the ZNF469 gene, results from a C to T substitution at nucleotide position 5375. The threonine at codon 1792 is replaced by isoleucine, an amino acid with similar properties. This amino acid position is conserved. In addition, this alteration is predicted to be tolerated by in silico analysis. Based on the available evidence, the clinical significance of this variant remains unclear.